The following is an entry in ClinVar:

NM_001395002.1(MAP4K4):c.14C>A (p.Ser5Tyr)

Gene: MAP4K4 (mitogen-activated protein kinase kinase kinase kinase 4; plus strand). Cytogenetic location: 2q11.2.
Variant type: single nucleotide variant.
Coding change: c.14C>A on transcript NM_001395002.1 (MANE Select); coding-DNA position 14, C replaced by A.
Protein change: p.Ser5Tyr; replaces serine 5 with tyrosine.
Molecular consequence: missense variant. On other transcripts: non-coding transcript variant (4).
Genome position (GRCh38, 1-based): chr2:101,698,094, C>A. VCF-style: chr2-101698094-C-A. GRCh37 (hg19) VCF-style: chr2-102314556-C-A.
Other names: c.14C>A, p.Ser5Tyr (NM_001242559.2, NM_001242560.2, NM_001384476.1 and 28 more transcripts); short protein forms S5Y.
Identifiers: ClinVar variation 4686190 (VCV004686190.1).
Genomic context (GRCh38, chr2:101,698,094, plus strand): 5'-GACAGAGACATTTATTGTTATTTGTTTTTTGGTGGCAAAAAGGGAAAATGGCGAACGACT[C>A]CCCTGCAAAAAGTCTGGTGGACATCGACCTCTCCTCCCTGCGGGTGAGTGGGCCCGCGAG-3'
Protein context (NP_001381931.1, residues 1-15): MAND[Ser5Tyr]PAKSLVDIDL

ClinVar aggregate classification (germline): Uncertain significance (1 of 4 stars; one submission).

Submission:

GeneDx
Classification: Uncertain significance. Last evaluated: 2025-07-02. Review status: criteria provided, single submitter. Criteria: GeneDx Variant Classification Process June 2021. Collection method: clinical testing. Allele origin: germline. Affected: yes.
Comment: Not observed at significant frequency in large population cohorts (gnomAD); In silico analysis supports that this missense variant has a deleterious effect on protein structure/function; Has not been previously published as pathogenic or benign to our knowledge